The following is an entry in ClinVar:

NM_005343.4(HRAS):c.451-48C>T

Genes: HRAS (HRas proto-oncogene, GTPase; minus strand), LRRC56 (leucine rich repeat containing 56; plus strand). Cytogenetic location: 11p15.5.
Variant type: single nucleotide variant.
Coding change: c.451-48C>T on transcript NM_005343.4 (MANE Select); 48 bases into the intron before coding-DNA position 451, C replaced by T.
Molecular consequence: intron variant.
Genome position (GRCh38, 1-based): chr11:532,803, G>A on the plus strand (C>T on the coding strand, the complement: HRAS is on the minus strand). VCF-style: chr11-532803-G-A. GRCh37 (hg19) VCF-style: chr11-532803-G-A.
Other names: c.451-48C>T (NM_001130442.3); c.214-48C>T (NM_001318054.2); c.*20-48C>T (NM_176795.5).
Identifiers: ClinVar variation 561443 (VCV000561443.1), dbSNP rs45607337, ClinGen allele CA5779246.

ClinVar aggregate classification (germline): Likely benign (1 of 4 stars; one submission).

Allele frequency attached by ClinVar (database versions not stated): gnomAD exomes 0.00122 and 0.00361; ExAC 0.00413; gnomAD 0.01361 and 0.01453; 1000 Genomes Project 0.01458; TOPMed 0.01509; ESP Exome Variant Server 0.01524; 1000 Genomes Project 30x 0.01608.
gnomAD v4.1: 3,888 of 1,584,570 alleles (0.25%); highest among the groups gnomAD compares: African/African-American, 4.6%; 86 homozygotes.

Submission:

GeneDx
Classification: Likely benign. Last evaluated: 2018-06-19. Review status: criteria provided, single submitter. Criteria: GeneDx Variant Classification (06012015). Collection method: clinical testing. Allele origin: germline. Affected: yes.
Comment: This variant is considered likely benign or benign based on one or more of the following criteria: it is a conservative change, it occurs at a poorly conserved position in the protein, it is predicted to be benign by multiple in silico algorithms, and/or has population frequency not consistent with disease.